The following is an entry in ClinVar:

NM_000390.4(CHM):c.324G>T (p.Leu108Phe)

Genes: CHM (CHM Rab escort protein; minus strand), LOC129391306 (MPRA-validated peak7401 silencer; plus strand). Cytogenetic location: Xq21.2.
Variant type: single nucleotide variant.
Coding change: c.324G>T on transcript NM_000390.4 (MANE Select); coding-DNA position 324, G replaced by T.
Protein change: p.Leu108Phe; replaces leucine 108 with phenylalanine.
Molecular consequence: missense variant. On other transcripts: 5 prime UTR variant (4).
Genome position (GRCh38, 1-based): chrX:85,964,043, C>A on the plus strand (G>T on the coding strand, the complement: CHM is on the minus strand). VCF-style: chrX-85964043-C-A. GRCh37 (hg19) VCF-style: chrX-85219048-C-A.
Other names: c.-121G>T (NM_001320959.1, NM_001362517.1, NM_001362518.2 and 1 more transcripts); short protein forms L108F.
Identifiers: ClinVar variation 2134445 (VCV002134445.3), dbSNP rs1457228334, ClinGen allele CA413787437.

ClinVar aggregate classification (germline): Uncertain significance (1 of 4 stars; one submission).

Allele frequency attached by ClinVar (database versions not stated): gnomAD exomes below 0.00001; gnomAD 0.00001.
gnomAD v4.1: 5 of 1,203,869 alleles (0.00042%); highest among the groups gnomAD compares: South Asian, 0.0071%; no homozygotes.

Submission:

Labcorp Genetics (formerly Invitae), Labcorp
Classification: Uncertain significance. Last evaluated: 2025-03-31. Review status: criteria provided, single submitter. Criteria: Invitae Variant Classification Sherloc (09022015). Collection method: clinical testing. Allele origin: germline.
Comment: This sequence change replaces leucine, which is neutral and non-polar, with phenylalanine, which is neutral and non-polar, at codon 108 of the CHM protein (p.Leu108Phe). The frequency data for this variant in the population databases is considered unreliable, as metrics indicate poor data quality at this position in the gnomAD database. This variant has not been reported in the literature in individuals affected with CHM-related conditions. ClinVar contains an entry for this variant (Variation ID: 2134445). Invitae Evidence Modeling of protein sequence and biophysical properties (such as structural, functional, and spatial information, amino acid conservation, physicochemical variation, residue mobility, and thermodynamic stability) indicates that this missense variant is not expected to disrupt CHM protein function with a negative predictive value of 80%. In summary, the available evidence is currently insufficient to determine the role of this variant in disease. Therefore, it has been classified as a Variant of Uncertain Significance.